The following is an entry in ClinVar:

NM_001250.6(CD40):c.679C>G (p.Pro227Ala)

Gene: CD40 (CD40 molecule; plus strand). Cytogenetic location: 20q13.12.
Variant type: single nucleotide variant.
Coding change: c.679C>G on transcript NM_001250.6 (MANE Select); coding-DNA position 679, C replaced by G.
Protein change: p.Pro227Ala; replaces proline 227 with alanine.
Molecular consequence: missense variant. On other transcripts: 3 prime UTR variant (3), non-coding transcript variant (2).
Genome position (GRCh38, 1-based): chr20:46,128,885, C>G. VCF-style: chr20-46128885-C-G. GRCh37 (hg19) VCF-style: chr20-44757524-C-G.
Other names: c.*5C>G (NM_001302753.2, NM_001362758.2, NM_152854.4); c.691C>G, p.Pro231Ala (NM_001322421.2); c.523C>G, p.Pro175Ala (NM_001322422.2); short protein forms P227A, P231A, P175A.
Identifiers: ClinVar variation 338576 (VCV000338576.27), dbSNP rs11086998, ClinGen allele CA9888651.
Genomic context (GRCh38, chr20:46,128,885, plus strand): 5'-CCTCAGAGGCACAGCTGCCCCTGCTGCTGGGGGTGACCTCACACCTTGCCTCTCCAGGCC[C>G]CCCACCCCAAGCAGGAACCCCAGGAGATCAATTTTCCCGACGATCTTCCTGGCTCCAACA-3'
Protein context (NP_001241.1, residues 217-237): KVAKKPTNKA[Pro227Ala]HPKQEPQEIN

ClinVar aggregate classification (germline): Benign/Likely benign. Review status: criteria provided, multiple submitters, no conflicts (2 of 4 stars). 7 submissions from 7 submitters: Benign (6); Likely benign (1). Last evaluated 2026-02-01.

Conditions:
Hyper-IgM syndrome type 3. Also called: Hyper-IgM Immunodeficiency Syndrome, Type 3. Identifiers: Orphanet 101090, MedGen C1720957, MONDO:0011735, OMIM 606843.

Allele frequency attached by ClinVar (database versions not stated): ESP Exome Variant Server 0.00661; gnomAD 0.01507 and 0.01523; 1000 Genomes Project 0.01597; ExAC 0.01706; 1000 Genomes Project 30x 0.01796; TOPMed 0.02161; gnomAD exomes 0.02178.
gnomAD v4.1: 16,824 of 1,614,024 alleles (1%); highest among the groups gnomAD compares: Admixed American, 12%; 523 homozygotes.

Submissions (7):

Labcorp Genetics (formerly Invitae), Labcorp
Classification: Benign. Last evaluated: 2026-02-01. Review status: criteria provided, single submitter. Criteria: Invitae Variant Classification Sherloc (09022015). Collection method: clinical testing. Allele origin: germline.

ARUP Laboratories, Molecular Genetics and Genomics, ARUP Laboratories
Classification: Benign for Hyper-IgM syndrome type 3. Last evaluated: 2025-01-17. Review status: criteria provided, single submitter. Criteria: ARUP Molecular Germline Variant Investigation Process 2024. Collection method: clinical testing. Allele origin: germline.

Blueprint Genetics
Classification: Likely benign. Last evaluated: 2024-11-28. Review status: criteria provided, single submitter. Criteria: ACMG Guidelines, 2015. Collection method: clinical testing. Allele origin: germline.

Mayo Clinic Laboratories, Mayo Clinic
Classification: Benign. Last evaluated: 2019-08-06. Review status: criteria provided, single submitter. Criteria: ACMG Guidelines, 2015. Collection method: clinical testing. Allele origin: germline. Observed: 3 variant alleles.

Illumina Laboratory Services, Illumina
Classification: Benign for Hyper-IgM syndrome type 3. Last evaluated: 2018-03-06. Review status: criteria provided, single submitter. Criteria: ICSL Variant Classification Criteria 13 December 2019. Collection method: clinical testing. Allele origin: germline.
Comment: This variant was observed in the ICSL laboratory as part of a predisposition screen in an ostensibly healthy population. It had not been previously curated by ICSL or reported in the Human Gene Mutation Database (HGMD: prior to June 1st, 2018), and was therefore a candidate for classification through an automated scoring system. Utilizing variant allele frequency, disease prevalence and penetrance estimates, and inheritance mode, an automated score was calculated to assess if this variant is too frequent to cause the disease. Based on the score and internal cut-off values, a variant classified as benign is not then subjected to further curation. The score for this variant resulted in a classification of benign for this disease.

GeneDx
Classification: Benign. Last evaluated: 2016-05-16. Review status: criteria provided, single submitter. Criteria: GeneDx Variant Classification (06012015). Collection method: clinical testing. Allele origin: germline. Affected: yes.
Comment: This variant is considered likely benign or benign based on one or more of the following criteria: it is a conservative change, it occurs at a poorly conserved position in the protein, it is predicted to be benign by multiple in silico algorithms, and/or has population frequency not consistent with disease.

Breakthrough Genomics
Classification: Benign. Review status: criteria provided, single submitter. Criteria: ACMG Guidelines, 2015. Collection method: not provided. Allele origin: germline. Inheritance: Autosomal recessive inheritance. Affected: yes.